The following is an entry in ClinVar:

ClinVar aggregate classification (germline): Likely benign. Review status: criteria provided, multiple submitters, no conflicts (2 of 4 stars). 3 submissions from 3 submitters: Likely benign (2). 1 of the submissions does not count toward it. Last evaluated 2018-11-20.

Conditions:
Gaze palsy, familial horizontal, with progressive scoliosis 1 (HGPPS1). Identifiers: Orphanet 2744, MedGen C4551964, MONDO:0020790, OMIM 607313.
ROBO3-related disorder. Also called: ROBO3-related condition.

Allele frequency attached by ClinVar (database versions not stated): 1000 Genomes Project 30x 0.00031; gnomAD exomes 0.00032 and 0.00056; gnomAD 0.00033 and 0.00039; TOPMed 0.00040; ExAC 0.00077.
gnomAD v4.1: 776 of 1,444,114 alleles (0.054%); highest among the groups gnomAD compares: Non-Finnish European, 0.065%; no homozygotes.

Submissions (3):

Labcorp Genetics (formerly Invitae), Labcorp
Classification: Likely benign. Last evaluated: 2018-11-20. Review status: criteria provided, single submitter. Criteria: Invitae Variant Classification Sherloc (09022015). Collection method: clinical testing. Allele origin: germline.

Illumina Laboratory Services, Illumina
Classification: Likely benign for Gaze palsy, familial horizontal, with progressive scoliosis 1. Last evaluated: 2018-01-12. Review status: criteria provided, single submitter. Criteria: ICSL Variant Classification Criteria 13 December 2019. Collection method: clinical testing. Allele origin: germline.
Comment: This variant was observed in the ICSL laboratory as part of a predisposition screen in an ostensibly healthy population. It had not been previously curated by ICSL or reported in the Human Gene Mutation Database (HGMD: prior to June 1st, 2018), and was therefore a candidate for classification through an automated scoring system. Utilizing variant allele frequency, disease prevalence and penetrance estimates, and inheritance mode, an automated score was calculated to assess if this variant is too frequent to cause the disease. Based on the score and internal cut-off values, a variant classified as likely benign is not then subjected to further curation. The score for this variant resulted in a classification of likely benign for this disease.

PreventionGenetics, part of Exact Sciences
Classification: Likely benign for ROBO3-related condition. Last evaluated: 2019-10-07. Review status: no assertion criteria provided. Collection method: clinical testing. Allele origin: germline. Not counted in ClinVar's aggregate classification.
Comment: This variant is classified as likely benign based on ACMG/AMP sequence variant interpretation guidelines (Richards et al. 2015 PMID: 25741868, with internal and published modifications).

NM_022370.4(ROBO3):c.2697A>G (p.Ala899=)

Gene: ROBO3 (roundabout guidance receptor 3; plus strand). Cytogenetic location: 11q24.2.
Variant type: single nucleotide variant.
Coding change: c.2697A>G on transcript NM_022370.4 (MANE Select); coding-DNA position 2697, A replaced by G.
Protein change: p.Ala899=; no amino-acid change (alanine 899 retained).
Molecular consequence: synonymous variant. On other transcripts: 5 prime UTR variant (1), non-coding transcript variant (1).
Genome position (GRCh38, 1-based): chr11:124,876,378, A>G. VCF-style: chr11-124876378-A-G. GRCh37 (hg19) VCF-style: chr11-124746274-A-G.
Other names: c.-157A>G (NM_001370356.1).
Identifiers: ClinVar variation 303257 (VCV000303257.10), dbSNP rs568188567, ClinGen allele CA6343875.